The following is an entry in ClinVar:

NM_000702.4(ATP1A2):c.2708G>A (p.Trp903Ter)

Gene: ATP1A2 (ATPase Na+/K+ transporting subunit alpha 2; plus strand). Cytogenetic location: 1q23.2.
Variant type: single nucleotide variant.
Coding change: c.2708G>A on transcript NM_000702.4 (MANE Select); coding-DNA position 2708, G replaced by A.
Protein change: p.Trp903Ter; replaces tryptophan 903 with a stop codon.
Molecular consequence: nonsense.
Genome position (GRCh38, 1-based): chr1:160,136,714, G>A. VCF-style: chr1-160136714-G-A. GRCh37 (hg19) VCF-style: chr1-160106504-G-A.
Other names: short protein forms W903*.
Identifiers: ClinVar variation 2042154 (VCV002042154.4), dbSNP rs2524891325, ClinGen allele CA343252368.

ClinVar aggregate classification (germline): Pathogenic (1 of 4 stars; one submission).

Conditions:
Familial hemiplegic migraine. Identifiers: MedGen C0338484, MONDO:0000700.

Submission:

Labcorp Genetics (formerly Invitae), Labcorp
Classification: Pathogenic for Familial hemiplegic migraine. Last evaluated: 2021-12-13. Review status: criteria provided, single submitter. Criteria: Invitae Variant Classification Sherloc (09022015). Collection method: clinical testing. Allele origin: germline.
Comment: For these reasons, this variant has been classified as Pathogenic. This variant has not been reported in the literature in individuals affected with ATP1A2-related conditions. This variant is not present in population databases (gnomAD no frequency). This sequence change creates a premature translational stop signal (p.Trp903*) in the ATP1A2 gene. It is expected to result in an absent or disrupted protein product. Loss-of-function variants in ATP1A2 are known to be pathogenic (PMID: 30690204).

Literature cited by the submitters: PubMed 30690204.